The following is an entry in ClinVar:

NM_177438.3(DICER1):c.5444T>G (p.Leu1815Arg)

Gene: DICER1 (dicer 1, ribonuclease III; minus strand). Cytogenetic location: 14q32.13.
Variant type: single nucleotide variant.
Coding change: c.5444T>G on transcript NM_177438.3 (MANE Select); coding-DNA position 5444, T replaced by G.
Protein change: p.Leu1815Arg; replaces leucine 1815 with arginine.
Molecular consequence: missense variant. On other transcripts: non-coding transcript variant (6), intron variant (1).
Genome position (GRCh38, 1-based): chr14:95,091,286, A>C on the plus strand (T>G on the coding strand, the complement: DICER1 is on the minus strand). VCF-style: chr14-95091286-A-C. GRCh37 (hg19) VCF-style: chr14-95557623-A-C.
Other names: c.5444T>G, p.Leu1815Arg (NM_001395678.1, NM_001271282.3, NM_001395679.1 and 8 more transcripts); c.5162T>G, p.Leu1721Arg (NM_001395686.1); c.5039T>G, p.Leu1680Arg (NM_001395687.1, NM_001395688.1, NM_001395689.1 and 1 more transcripts); c.4877T>G, p.Leu1626Arg (NM_001395691.1); c.3761T>G, p.Leu1254Arg (NM_001395697.1); c.5365-177T>G (NM_001195573.1); short protein forms L1680R, L1815R, L1626R, L1254R, L1721R.
Identifiers: ClinVar variation 2566211 (VCV002566211.2), dbSNP rs2139777889, ClinGen allele CA390864640.

ClinVar aggregate classification (germline): Uncertain significance (1 of 4 stars; one submission).

Conditions:
Hereditary cancer-predisposing syndrome. Also called: Neoplastic Syndromes, Hereditary; Hereditary Cancer Syndrome; Hereditary neoplastic syndrome; Tumor predisposition. Identifiers: Orphanet 140162, MedGen C0027672, MeSH D009386, MONDO:0015356.

Submission:

Ambry Genetics
Classification: Uncertain significance for Hereditary cancer-predisposing syndrome. Last evaluated: 2023-05-26. Review status: criteria provided, single submitter. Criteria: Ambry Variant Classification Scheme 2023. Collection method: clinical testing. Allele origin: germline.
Comment: The p.L1815R variant (also known as c.5444T>G), located in coding exon 24 of the DICER1 gene, results from a T to G substitution at nucleotide position 5444. The leucine at codon 1815 is replaced by arginine, an amino acid with dissimilar properties. This amino acid position is conserved. In addition, this alteration is predicted to be deleterious by in silico analysis. Since supporting evidence is limited at this time, the clinical significance of this alteration remains unclear.